The following is an entry in ClinVar:

NM_001405666.3(NBPF1):c.55G>A (p.Glu19Lys)

Gene: NBPF1 (NBPF member 1). Cytogenetic location: 1p36.13.
Variant type: single nucleotide variant.
Coding change: c.55G>A on transcript NM_001405666.3 (MANE Select); coding-DNA position 55, G replaced by A.
Protein change: p.Glu19Lys; replaces glutamic acid 19 with lysine.
Molecular consequence: missense variant.
Genome position (GRCh38, 1-based): chr1:16,591,967, C>T on the plus strand (G>A on the coding strand, the complement: NBPF1 is on the minus strand). VCF-style: chr1-16591967-C-T. GRCh37 (hg19) VCF-style: chr1-16918462-C-T.
Other names: c.55G>A, p.Glu19Lys (NM_001405667.2, NM_001405668.2, NM_001405679.2 and 29 more transcripts); short protein forms E19K.
Identifiers: ClinVar variation 2400612 (VCV002400612.3), dbSNP rs770962092, ClinGen allele CA631041.

ClinVar aggregate classification (germline): Uncertain significance (1 of 4 stars; one submission).

Allele frequency attached by ClinVar (database versions not stated): ExAC 0.00001; 1000 Genomes Project 30x 0.00047.

Submission:

Ambry Genetics
Classification: Uncertain significance. Last evaluated: 2025-12-15. Review status: criteria provided, single submitter. Criteria: Ambry Variant Classification Scheme 2023. Collection method: clinical testing. Allele origin: germline.
Comment: The c.55G>A (p.E19K) alteration is located in exon 7 (coding exon 1) of the NBPF1 gene. This alteration results from a G to A substitution at nucleotide position 55, causing the glutamic acid (E) at amino acid position 19 to be replaced by a lysine (K). Based on data from gnomAD, the A allele has an overall frequency of 0.005% (15/280324) total alleles studied. The highest observed frequency was 0.014% (1/7112) of Other alleles. Based on insufficient or conflicting evidence, the clinical significance of this alteration remains unclear.